The following is an entry in ClinVar:

ClinVar aggregate classification (germline): Conflicting classifications of pathogenicity. Review status: criteria provided, conflicting classifications (1 of 4 stars). 5 submissions from 5 submitters: Uncertain significance (1); Benign (2); Likely benign (2). Last evaluated 2026-06-30.

Conditions:
Hyperplastic polyposis syndrome. Identifiers: Orphanet 157798, MedGen C4296896, MONDO:0015524.
Sessile serrated polyposis cancer syndrome (SSPCS). Identifiers: Orphanet 157798, MedGen C4310714, MONDO:0014919, OMIM 617108.

Allele frequency attached by ClinVar (database versions not stated): TOPMed 0.00002; gnomAD 0.00005; gnomAD exomes 0.00005 and 0.00013; ExAC 0.00018; 1000 Genomes Project 30x 0.00078; 1000 Genomes Project 0.00100.

Submissions (5):

Myriad Genetics, Inc.
Classification: Benign for Sessile serrated polyposis cancer syndrome. Last evaluated: 2026-06-30. Review status: criteria provided, single submitter. Criteria: Myriad Autosomal Dominant, Autosomal Recessive and X-Linked Classification Criteria (2023). Collection method: clinical testing. Allele origin: unknown.
Comment: This variant is considered benign. This variant is a silent/synonymous amino acid change and it is not expected to impact splicing.

Ambry Genetics
Classification: Uncertain significance. Last evaluated: 2025-05-25. Review status: criteria provided, single submitter. Criteria: Ambry Variant Classification Scheme 2023. Collection method: clinical testing. Allele origin: germline.
Comment: The c.792C>T variant (also known as p.S264S), located in coding exon 6 of the RNF43 gene, results from a C to T substitution at nucleotide position 792. This nucleotide substitution does not change the serine at codon 264. This nucleotide position is well conserved in available vertebrate species. In silico splice site analysis for this alteration is inconclusive. The evidence for this gene-disease relationship is limited; therefore, the clinical significance of this alteration is unclear.

Labcorp Genetics (formerly Invitae), Labcorp
Classification: Benign. Last evaluated: 2024-06-24. Review status: criteria provided, single submitter. Criteria: Invitae Variant Classification Sherloc (09022015). Collection method: clinical testing. Allele origin: germline.

Department of Pathology and Laboratory Medicine, Sinai Health System
Classification: Likely benign for Hyperplastic polyposis syndrome. Last evaluated: 2023-10-30. Review status: criteria provided, single submitter. Criteria: ACMG Guidelines, 2015. Collection method: clinical testing. Allele origin: germline. Affected: yes.

Blueprint Genetics
Classification: Likely benign. Last evaluated: 2023-01-05. Review status: criteria provided, single submitter. Criteria: ACMG Guidelines, 2015. Collection method: clinical testing. Allele origin: germline.

NM_017763.6(RNF43):c.792C>T (p.Ser264=)

Gene: RNF43 (ring finger protein 43; minus strand). Cytogenetic location: 17q22.
Variant type: single nucleotide variant.
Coding change: c.792C>T on transcript NM_017763.6 (MANE Select); coding-DNA position 792, C replaced by T.
Protein change: p.Ser264=; no amino-acid change (serine 264 retained).
Molecular consequence: synonymous variant.
Genome position (GRCh38, 1-based): chr17:58,360,840, G>A on the plus strand (C>T on the coding strand, the complement: RNF43 is on the minus strand). VCF-style: chr17-58360840-G-A. GRCh37 (hg19) VCF-style: chr17-56438201-G-A.
Other names: c.792C>T, p.Ser264= (NM_001305544.3); c.411C>T, p.Ser137= (NM_001305545.2).
Identifiers: ClinVar variation 1599152 (VCV001599152.12), dbSNP rs201262484, ClinGen allele CA8673303.